The following is an entry in ClinVar:

NM_020975.6(RET):c.2393-17C>T

Gene: RET (ret proto-oncogene; plus strand). Cytogenetic location: 10q11.21.
Variant type: single nucleotide variant.
Coding change: c.2393-17C>T on transcript NM_020975.6 (MANE Select); 17 bases into the intron before coding-DNA position 2393, C replaced by T.
Molecular consequence: intron variant.
Genome position (GRCh38, 1-based): chr10:43,119,514, C>T. VCF-style: chr10-43119514-C-T. GRCh37 (hg19) VCF-style: chr10-43614962-C-T.
Other names: c.2393-17C>T (NM_020630.7, NM_001406743.1, NM_001406744.1 and 2 more transcripts); c.2258-17C>T (NM_001406765.1, NM_001406763.1); c.1997-17C>T (NM_001406772.1, NM_001406769.1); c.1955-17C>T (NM_001406773.1, NM_001406771.1); c.1496-17C>T (NM_001406782.1, NM_001406780.1, NM_001406779.1 and 1 more transcripts); c.1361-17C>T (NM_001406787.1); c.1376-17C>T (NM_001406785.1); c.2264-17C>T (NM_001406764.1, NM_001406762.1, NM_001406761.1); and 10 more.
Identifiers: ClinVar variation 1532911 (VCV001532911.10), dbSNP rs1370176408, ClinGen allele CA665320453.

ClinVar aggregate classification (germline): Likely benign. Review status: criteria provided, multiple submitters, no conflicts (2 of 4 stars). 2 submissions from 2 submitters: Likely benign (2). Last evaluated 2025-06-12.

Conditions:
Multiple endocrine neoplasia, type 2 (MEN2). Identifiers: Orphanet 653, MedGen C4048306, MONDO:0019003. Disease mechanism: gain of function.
Multiple endocrine neoplasia type 2A. Also called: MULTIPLE ENDOCRINE NEOPLASIA, TYPE IIA; PTC SYNDROME; SIPPLE SYNDROME; MEN 2A; MEN-2A syndrome; Pheochromocytoma and amyloid producing medullary thyroid carcinoma. Identifiers: Orphanet 247698, Orphanet 653, MedGen C0025268, MeSH D018813, MONDO:0008234, OMIM 171400.

Allele frequency attached by ClinVar (database versions not stated): gnomAD exomes below 0.00001; TOPMed 0.00001.
gnomAD v4.1: 1 of 1,583,770 alleles (0.000063%); highest among the groups gnomAD compares: African/African-American, 0.0013%; no homozygotes.

Submissions (2):

Labcorp Genetics (formerly Invitae), Labcorp
Classification: Likely benign for Multiple endocrine neoplasia, type 2. Last evaluated: 2025-06-12. Review status: criteria provided, single submitter. Criteria: Invitae Variant Classification Sherloc (09022015). Collection method: clinical testing. Allele origin: germline.

Myriad Genetics, Inc.
Classification: Likely benign for Multiple endocrine neoplasia type 2A. Last evaluated: 2025-02-26. Review status: criteria provided, single submitter. Criteria: Myriad Autosomal Dominant, Autosomal Recessive and X-Linked Classification Criteria (2023). Collection method: clinical testing. Allele origin: unknown.
Comment: This variant is considered likely benign. This variant is intronic and is not expected to impact mRNA splicing.